The following is an entry in ClinVar:

NM_001386298.1(CIC):c.1582C>T (p.Arg528Ter)

Gene: CIC (capicua transcriptional repressor; plus strand). Cytogenetic location: 19q13.2.
Variant type: single nucleotide variant.
Coding change: c.1582C>T on transcript NM_001386298.1 (MANE Select); coding-DNA position 1582, C replaced by T.
Protein change: p.Arg528Ter; replaces arginine 528 with a stop codon.
Molecular consequence: nonsense.
Genome position (GRCh38, 1-based): chr19:42,273,365, C>T. VCF-style: chr19-42273365-C-T. GRCh37 (hg19) VCF-style: chr19-42777517-C-T.
Other names: c.1582C>T, p.Arg528Ter (NM_001304815.2, NM_001379480.1, NM_001379482.1); short protein forms R528*.
Identifiers: ClinVar variation 1334748 (VCV001334748.7), dbSNP rs2147018633, ClinGen allele CA406085336.

ClinVar aggregate classification (germline): Likely pathogenic. Review status: criteria provided, single submitter (1 of 4 stars). 2 submissions from 2 submitters: Likely pathogenic (1). 1 of the submissions does not count toward it. Last evaluated 2021-05-06.

Conditions:
CIC-related disorder. Also called: CIC-related condition.
Intellectual developmental disorder, autosomal dominant 45. Also called: MENTAL RETARDATION, AUTOSOMAL DOMINANT 45; Intellectual disability, autosomal dominant 45. Identifiers: MedGen C4539848, MONDO:0030910, OMIM 617600.

Submissions (2):

Greenwood Genetic Center Diagnostic Laboratories, Greenwood Genetic Center
Classification: Likely pathogenic for Intellectual developmental disorder, autosomal dominant 45. Last evaluated: 2021-05-06. Review status: criteria provided, single submitter. Criteria: ACMG Guidelines, 2015. Collection method: clinical testing. Allele origin: germline. Affected: yes.
Comment: PS2, PS4_Supporting, PM2

PreventionGenetics, part of Exact Sciences
Classification: Likely pathogenic for CIC-related condition. Last evaluated: 2023-11-08. Review status: no assertion criteria provided. Collection method: clinical testing. Allele origin: germline. Not counted in ClinVar's aggregate classification.
Comment: The CIC c.1582C>T variant is predicted to result in premature protein termination (p.Arg528*). This variant has been reported as a de novo finding in an individual with autism and cleft lip and palate (Table S5, Yuen et al. 2017. PubMed ID: 28263302). This variant has not been reported in a large population database, indicating this variant is rare. Nonsense variants in CIC are expected to be pathogenic. Although this variant is found in an alternative transcript of CIC, other de novo findings in affected individuals along with functional data support the clinical relevance of loss of function changes in this exon (Guo. 2019. PubMed ID: 30504930; Sharma et al. 2022. PubMed ID: 35165976). This variant is interpreted as likely pathogenic.